The following is an entry in ClinVar:

ClinVar aggregate classification (germline): Pathogenic/Likely pathogenic. Review status: criteria provided, multiple submitters, no conflicts (2 of 4 stars). 3 submissions from 3 submitters: Pathogenic (2); Likely pathogenic (1). Last evaluated 2025-11-05.

Conditions:
Jeune thoracic dystrophy. Also called: Jeune syndrome; Infantile thoracic dystrophy; Thoracic pelvic phalangeal dystrophy; Jeune's syndrome; Chondroectodermal dysplasia-like syndrome; Short-rib thoracic dysplasia. Identifiers: Orphanet 474, MedGen C0265275, MONDO:0018770.
Asphyxiating thoracic dystrophy 3. Also called: Saldino-Noonan Syndrome; SHORT-RIB THORACIC DYSPLASIA 3 WITH OR WITHOUT POLYDACTYLY; POLYDACTYLY WITH NEONATAL CHONDRODYSTROPHY, TYPE I; SHORT-RIB THORACIC DYSPLASIA 3/6 WITH POLYDACTYLY, DIGENIC; Short rib polydactyly syndrome 2B. Identifiers: Orphanet 474, Orphanet 93269, Orphanet 93270, Orphanet 93271, MedGen C0036069, MONDO:0013127, OMIM 613091.

Allele frequency attached by ClinVar (database versions not stated): TOPMed below 0.00001.

Submissions (3):

Labcorp Genetics (formerly Invitae), Labcorp
Classification: Pathogenic for Jeune thoracic dystrophy. Last evaluated: 2025-11-05. Review status: criteria provided, single submitter. Criteria: Invitae Variant Classification Sherloc (09022015). Collection method: clinical testing. Allele origin: germline.
Comment: This sequence change creates a premature translational stop signal (p.Glu2632*) in the DYNC2H1 gene. It is expected to result in an absent or disrupted protein product. Loss-of-function variants in DYNC2H1 are known to be pathogenic (PMID: 23339108, 32753734, 33755199). This variant is not present in population databases (gnomAD no frequency). This variant has not been reported in the literature in individuals affected with DYNC2H1-related conditions. ClinVar contains an entry for this variant (Variation ID: 2706230). Algorithms developed to predict the effect of sequence changes on RNA splicing suggest that this variant may disrupt the consensus splice site. For these reasons, this variant has been classified as Pathogenic.

Fulgent Genetics
Classification: Likely pathogenic for Asphyxiating thoracic dystrophy 3. Last evaluated: 2024-06-19. Review status: criteria provided, single submitter. Criteria: ACMG Guidelines, 2015. Collection method: clinical testing. Allele origin: germline.

Myriad Genetics, Inc.
Classification: Pathogenic for Asphyxiating thoracic dystrophy 3. Last evaluated: 2024-04-19. Review status: criteria provided, single submitter. Criteria: Myriad Autosomal Dominant, Autosomal Recessive and X-Linked Classification Criteria (2023). Collection method: clinical testing. Allele origin: unknown.
Comment: NM_001377.2(DYNC2H1):c.7894G>T(E2632*) is expected to be pathogenic in the context of DYNC2H1-related disorders. This variant is predicted to lead to an abnormal or absent protein product due to the creation of a premature termination codon in DYNC2H1, a gene where loss-of-function variants are known to be pathogenic. Please note: this variant was assessed in the context of healthy population screening.

Literature cited by the submitters: PubMed 23339108 (cited by Labcorp Genetics (formerly Invitae), Labcorp); PubMed 32753734 (cited by Labcorp Genetics (formerly Invitae), Labcorp); PubMed 33755199 (cited by Labcorp Genetics (formerly Invitae), Labcorp).

NM_001377.3(DYNC2H1):c.7894G>T (p.Glu2632Ter)

Gene: DYNC2H1 (dynein cytoplasmic 2 heavy chain 1; plus strand). Cytogenetic location: 11q22.3.
Variant type: single nucleotide variant.
Coding change: c.7894G>T on transcript NM_001377.3 (MANE Select); coding-DNA position 7894, G replaced by T.
Protein change: p.Glu2632Ter; replaces glutamic acid 2632 with a stop codon.
Molecular consequence: nonsense.
Genome position (GRCh38, 1-based): chr11:103,199,282, G>T. VCF-style: chr11-103199282-G-T. GRCh37 (hg19) VCF-style: chr11-103070011-G-T.
Other names: c.7894G>T, p.Glu2632Ter (NM_001080463.2); short protein forms E2632*.
Identifiers: ClinVar variation 2706230 (VCV002706230.5), dbSNP rs1862623631, ClinGen allele CA382256195.